The following is an entry in ClinVar:

NM_016038.4(SBDS):c.38C>G (p.Thr13Ser)

Gene: SBDS (SBDS ribosome maturation factor; minus strand). Cytogenetic location: 7q11.21.
Variant type: single nucleotide variant.
Coding change: c.38C>G on transcript NM_016038.4 (MANE Select); coding-DNA position 38, C replaced by G.
Protein change: p.Thr13Ser; replaces threonine 13 with serine.
Molecular consequence: missense variant.
Genome position (GRCh38, 1-based): chr7:66,995,380, G>C on the plus strand (C>G on the coding strand, the complement: SBDS is on the minus strand). VCF-style: chr7-66995380-G-C. GRCh37 (hg19) VCF-style: chr7-66460367-G-C.
Other names: short protein forms T13S.
Identifiers: ClinVar variation 3792723 (VCV003792723.1).
Genomic context (GRCh38, chr7:66,995,380, plus strand): 5'-TTGTAGCAGGCGATTTCGAAGCGCTTCCCGGCACGCTTCATCCGTACCACGGCCACATTG[G>C]TTAGGCGGATCTGGTTGGTGGGGGTGAAGATCGACATCGCGGCTGTTCAAAGACCCAGAA-3'
Protein context (NP_057122.2, residues 3-23): IFTPTNQIRL[Thr13Ser]NVAVVRMKRA

ClinVar aggregate classification (germline): Uncertain significance (1 of 4 stars; one submission).

Conditions:
Inborn genetic diseases. Identifiers: MedGen C0950123, MeSH D030342.

gnomAD v4.1: 1 of 1,614,140 alleles (0.000062%); highest among the groups gnomAD compares: South Asian, 0.0011%; no homozygotes.

Submission:

Ambry Genetics
Classification: Uncertain significance for Inborn genetic diseases. Last evaluated: 2025-01-26. Review status: criteria provided, single submitter. Criteria: Ambry Variant Classification Scheme 2023. Collection method: clinical testing. Allele origin: germline.
Comment: The p.T13S variant (also known as c.38C>G), located in coding exon 1 of the SBDS gene, results from a C to G substitution at nucleotide position 38. The threonine at codon 13 is replaced by serine, an amino acid with similar properties. This amino acid position is conserved. In addition, this alteration is predicted to be deleterious by in silico analysis. Based on the available evidence, the clinical significance of this variant remains unclear.